The following is an entry in ClinVar:

ClinVar aggregate classification (germline): Uncertain significance (1 of 4 stars; one submission).

Conditions:
Severe combined immunodeficiency due to DCLRE1C deficiency (RS-SCID). Also called: SCID, AUTOSOMAL RECESSIVE, T CELL-NEGATIVE, B CELL-NEGATIVE, NK CELL-POSITIVE, WITH SENSITIVITY TO IONIZING RADIATION. Identifiers: Orphanet 275, MedGen C1865371, MONDO:0011225, OMIM 602450.

Allele frequency attached by ClinVar (database versions not stated): gnomAD exomes below 0.00001; TOPMed 0.00002.
gnomAD v4.1: 2 of 1,611,886 alleles (0.00012%); highest among the groups gnomAD compares: Admixed American, 0.0033%; no homozygotes.

Submission:

Labcorp Genetics (formerly Invitae), Labcorp
Classification: Uncertain significance for Athabaskan severe combined immunodeficiency. Last evaluated: 2022-03-03. Review status: criteria provided, single submitter. Criteria: Invitae Variant Classification Sherloc (09022015). Collection method: clinical testing. Allele origin: germline.
Comment: This sequence change replaces lysine, which is basic and polar, with threonine, which is neutral and polar, at codon 356 of the DCLRE1C protein (p.Lys356Thr). This variant is not present in population databases (gnomAD no frequency). This variant has not been reported in the literature in individuals affected with DCLRE1C-related conditions. ClinVar contains an entry for this variant (Variation ID: 1014572). Algorithms developed to predict the effect of missense changes on protein structure and function (SIFT, PolyPhen-2, Align-GVGD) all suggest that this variant is likely to be tolerated. In summary, the available evidence is currently insufficient to determine the role of this variant in disease. Therefore, it has been classified as a Variant of Uncertain Significance.

NM_001033855.3(DCLRE1C):c.1067A>C (p.Lys356Thr)

Gene: DCLRE1C (DNA cross-link repair 1C; minus strand). Cytogenetic location: 10p13.
Variant type: single nucleotide variant.
Coding change: c.1067A>C on transcript NM_001033855.3 (MANE Select); coding-DNA position 1067, A replaced by C.
Protein change: p.Lys356Thr; replaces lysine 356 with threonine.
Molecular consequence: missense variant. On other transcripts: non-coding transcript variant (4).
Genome position (GRCh38, 1-based): chr10:14,919,827, T>G on the plus strand (A>C on the coding strand, the complement: DCLRE1C is on the minus strand). VCF-style: chr10-14919827-T-G. GRCh37 (hg19) VCF-style: chr10-14961826-T-G.
Other names: c.707A>C, p.Lys236Thr (NM_001033857.3, NM_001033858.3, NM_001289077.2 and 2 more transcripts); c.722A>C, p.Lys241Thr (NM_001289076.2, NM_001289078.2, NM_001350966.2 and 1 more transcripts); c.1067A>C, p.Lys356Thr (NM_001350965.2); short protein forms K236T, K241T, K356T.
Identifiers: ClinVar variation 1014572 (VCV001014572.6), dbSNP rs1836805445, ClinGen allele CA376078373.